The following is an entry in ClinVar:

ClinVar aggregate classification (germline): Uncertain significance. Review status: criteria provided, multiple submitters, no conflicts (2 of 4 stars). 2 submissions from 2 submitters: Uncertain significance (2). Last evaluated 2026-01-26.

Conditions:
Hereditary cancer-predisposing syndrome. Also called: Tumor predisposition; Neoplastic Syndromes, Hereditary; Hereditary Cancer Syndrome; Hereditary neoplastic syndrome. Identifiers: Orphanet 140162, MedGen C0027672, MeSH D009386, MONDO:0015356.
Tumor predisposition syndrome 3 (TPDS3). Also called: Melanoma, cutaneous malignant, susceptibility to, 10; Glioma susceptibility 9; LONG TELOMERE SYNDROME, POT1-RELATED; POT1 Tumor Predisposition. Identifiers: Orphanet 618, MedGen C4014476, MONDO:0014368, OMIM 615848.

Allele frequency attached by ClinVar (database versions not stated): gnomAD exomes below 0.00001.
gnomAD v4.1: 5 of 1,613,774 alleles (0.00031%); highest among the groups gnomAD compares: East Asian, 0.0022%; no homozygotes.

Submissions (2):

Labcorp Genetics (formerly Invitae), Labcorp
Classification: Uncertain significance for Tumor predisposition syndrome 3. Last evaluated: 2026-01-26. Review status: criteria provided, single submitter. Criteria: Invitae Variant Classification Sherloc (09022015). Collection method: clinical testing. Allele origin: germline.
Comment: This sequence change replaces arginine, which is basic and polar, with histidine, which is basic and polar, at codon 117 of the POT1 protein (p.Arg117His). This variant is present in population databases (no rsID available, gnomAD 0.004%). This missense change has been observed in individual(s) with melanoma (PMID: 36539277). ClinVar contains an entry for this variant (Variation ID: 654409). Invitae Evidence Modeling of protein sequence and biophysical properties (such as structural, functional, and spatial information, amino acid conservation, physicochemical variation, residue mobility, and thermodynamic stability) indicates that this missense variant is not expected to disrupt POT1 protein function with a negative predictive value of 80%. This variant disrupts the p.Arg117 amino acid residue in POT1. Other variant(s) that disrupt this residue have been determined to be pathogenic (PMID: 26403419; internal data). This suggests that this residue is clinically significant, and that variants that disrupt this residue are likely to be disease-causing. In summary, the available evidence is currently insufficient to determine the role of this variant in disease. Therefore, it has been classified as a Variant of Uncertain Significance.

Ambry Genetics
Classification: Uncertain significance for Hereditary cancer-predisposing syndrome. Last evaluated: 2023-02-02. Review status: criteria provided, single submitter. Criteria: Ambry Variant Classification Scheme 2023. Collection method: clinical testing. Allele origin: germline.
Comment: The p.R117H variant (also known as c.350G>A), located in coding exon 4 of the POT1 gene, results from a G to A substitution at nucleotide position 350. The arginine at codon 117 is replaced by histidine, an amino acid with highly similar properties. This alteration has been reported in one individual diagnosed with cutaneous melanoma (Simonin-Wilmer I et al. J Med Genet. 2022 Dec). This amino acid position is highly conserved in available vertebrate species. In addition, the in silico prediction for this alteration is inconclusive. Since supporting evidence is limited at this time, the clinical significance of this alteration remains unclear.

Literature cited by the submitters: PubMed 36539277 (cited by Labcorp Genetics (formerly Invitae), Labcorp); PubMed 26403419 (cited by Labcorp Genetics (formerly Invitae), Labcorp).

NM_015450.3(POT1):c.350G>A (p.Arg117His)

Gene: POT1 (protection of telomeres 1; minus strand). Cytogenetic location: 7q31.33.
Variant type: single nucleotide variant.
Coding change: c.350G>A on transcript NM_015450.3 (MANE Select); coding-DNA position 350, G replaced by A.
Protein change: p.Arg117His; replaces arginine 117 with histidine.
Molecular consequence: missense variant. On other transcripts: 5 prime UTR variant (1), non-coding transcript variant (3).
Genome position (GRCh38, 1-based): chr7:124,863,546, C>T on the plus strand (G>A on the coding strand, the complement: POT1 is on the minus strand). VCF-style: chr7-124863546-C-T. GRCh37 (hg19) VCF-style: chr7-124503600-C-T.
Other names: c.-44G>A (NM_001042594.2); short protein forms R117H.
Identifiers: ClinVar variation 654409 (VCV000654409.13), dbSNP rs1385542313, ClinGen allele CA369059969.